The following is an entry in ClinVar:

NM_000350.3(ABCA4):c.6692_6705del (p.Ile2231fs)

Gene: ABCA4 (ATP binding cassette subfamily A member 4; minus strand). Cytogenetic location: 1p22.1.
Variant type: Deletion.
Coding change: c.6692_6705del on transcript NM_000350.3 (MANE Select); coding-DNA positions 6692 to 6705, 14 bases deleted (TCGAGGAGTACTCA).
Protein change: p.Ile2231fs; shifts the reading frame from isoleucine 2231.
Molecular consequence: frameshift variant.
Genome position (GRCh38, 1-based): chr1:93,997,885-93,997,898, TGAGTACTCCTCGA deleted on the plus strand (TCGAGGAGTACTCA on the coding strand, the reverse complement: ABCA4 is on the minus strand); deleting any 14 consecutive bases within chr1:93,997,885-93,997,902 gives the same sequence; the c. name uses the placement nearest the transcript's 3' end. VCF-style (leftmost placement, unchanged base first): chr1-93997884-CTGAGTACTCCTCGA-C. GRCh37 (hg19) VCF-style: chr1-94463440-CTGAGTACTCCTCGA-C.
Other names: c.6470_6483del, p.Ile2157fs (NM_001425324.1); short protein forms I2157fs, I2231fs.
Identifiers: ClinVar variation 3690479 (VCV003690479.2).

ClinVar aggregate classification (germline): Pathogenic (1 of 4 stars; one submission).

Submission:

Labcorp Genetics (formerly Invitae), Labcorp
Classification: Pathogenic. Last evaluated: 2024-03-02. Review status: criteria provided, single submitter. Criteria: Invitae Variant Classification Sherloc (09022015). Collection method: clinical testing. Allele origin: germline.
Comment: This sequence change creates a premature translational stop signal (p.Ile2231Serfs*15) in the ABCA4 gene. It is expected to result in an absent or disrupted protein product. Loss-of-function variants in ABCA4 are known to be pathogenic (PMID: 10958761, 24938718, 25312043, 26780318). This variant is not present in population databases (gnomAD no frequency). This variant has not been reported in the literature in individuals affected with ABCA4-related conditions. For these reasons, this variant has been classified as Pathogenic.

Literature cited by the submitters: PubMed 10958761; PubMed 24938718; PubMed 25312043; PubMed 26780318.